The following is an entry in ClinVar:

NM_001374828.1(ARID1B):c.806A>T (p.Asp269Val)

Genes: ARID1B (AT-rich interaction domain 1B; plus strand), LOC129997525 (ATAC-STARR-seq lymphoblastoid silent region 17712; plus strand), LOC115308161 (uncharacterized LOC115308161; minus strand). Cytogenetic location: 6q25.3.
Variant type: single nucleotide variant.
Coding change: c.806A>T on transcript NM_001374828.1 (MANE Select); coding-DNA position 806, A replaced by T.
Protein change: p.Asp269Val; replaces aspartic acid 269 with valine.
Molecular consequence: missense variant. On other transcripts: non-coding transcript variant (1).
Genome position (GRCh38, 1-based): chr6:156,778,486, A>T. VCF-style: chr6-156778486-A-T. GRCh37 (hg19) VCF-style: chr6-157099620-A-T.
Other names: c.806A>T, p.Asp269Val (NM_001371656.1, NM_001374820.1, NM_001438482.1 and 9 more transcripts); short protein forms D269V.
Identifiers: ClinVar variation 4085162 (VCV004085162.8).

ClinVar aggregate classification (germline): Uncertain significance (1 of 4 stars; one submission).

gnomAD v4.1: 2 of 1,283,534 alleles (0.00016%); highest among the groups gnomAD compares: Non-Finnish European, 0.0002%; no homozygotes.

Submission:

CeGaT Center for Human Genetics Tuebingen
Classification: Uncertain significance. Last evaluated: 2025-06-01. Review status: criteria provided, single submitter. Criteria: CeGaT Center For Human Genetics Tuebingen Variant Classification Criteria Version 2. Collection method: clinical testing. Allele origin: germline. Affected: yes. Observed: 1 variant allele.
Comment: ARID1B: PM2, BP5